The following is an entry in ClinVar:

ClinVar aggregate classification (germline): Uncertain significance (1 of 4 stars; one submission).

Submission:

Labcorp Genetics (formerly Invitae), Labcorp
Classification: Uncertain significance. Last evaluated: 2022-07-06. Review status: criteria provided, single submitter. Criteria: Invitae Variant Classification Sherloc (09022015). Collection method: clinical testing. Allele origin: germline.
Comment: In summary, the available evidence is currently insufficient to determine the role of this variant in disease. Therefore, it has been classified as a Variant of Uncertain Significance. Algorithms developed to predict the effect of missense changes on protein structure and function are either unavailable or do not agree on the potential impact of this missense change (SIFT: "Deleterious"; PolyPhen-2: "Probably Damaging"; Align-GVGD: "Class C15"). ClinVar contains an entry for this variant (Variation ID: 1405943). This variant has not been reported in the literature in individuals affected with RORB-related conditions. This variant is not present in population databases (gnomAD no frequency). This sequence change replaces glycine, which is neutral and non-polar, with arginine, which is basic and polar, at codon 83 of the RORB protein (p.Gly83Arg).

NM_006914.4(RORB):c.247G>A (p.Gly83Arg)

Gene: RORB (RAR related orphan receptor B; plus strand). Cytogenetic location: 9q21.13.
Variant type: single nucleotide variant.
Coding change: c.247G>A on transcript NM_006914.4 (MANE Select); coding-DNA position 247, G replaced by A.
Protein change: p.Gly83Arg; replaces glycine 83 with arginine.
Molecular consequence: missense variant.
Genome position (GRCh38, 1-based): chr9:74,642,425, G>A. VCF-style: chr9-74642425-G-A. GRCh37 (hg19) VCF-style: chr9-77257341-G-A.
Other names: c.280G>A, p.Gly94Arg (NM_001365023.1); short protein forms G83R, G94R.
Identifiers: ClinVar variation 1405943 (VCV001405943.6), dbSNP rs2118462076, ClinGen allele CA373769426.